The following is an entry in ClinVar:

ClinVar aggregate classification (germline): Conflicting classifications of pathogenicity. Review status: criteria provided, conflicting classifications (1 of 4 stars). 4 submissions from 4 submitters: Uncertain significance (2); Likely benign (2). Last evaluated 2025-12-20.

Conditions:
AMH-related disorder. Also called: AMH-related condition.

Allele frequency attached by ClinVar (database versions not stated): gnomAD exomes 0.00005 and 0.00008; ExAC 0.00019; 1000 Genomes Project 0.00020; 1000 Genomes Project 30x 0.00078; TOPMed 0.00092; gnomAD 0.00093 and 0.00095.
gnomAD v4.1: 264 of 1,505,426 alleles (0.018%); highest among the groups gnomAD compares: African/African-American, 0.33%; 3 homozygotes.

Submissions (4):

PreventionGenetics, part of Exact Sciences
Classification: Likely benign for AMH-related condition. Last evaluated: 2025-12-20. Review status: criteria provided, single submitter. Criteria: ACMG Guidelines, 2015. Collection method: clinical testing. Allele origin: germline.
Comment: This variant is classified as likely benign based on ACMG/AMP sequence variant interpretation guidelines (Richards et al. 2015 PMID: 25741868, with internal and published modifications).

Labcorp Genetics (formerly Invitae), Labcorp
Classification: Likely benign. Last evaluated: 2025-12-19. Review status: criteria provided, single submitter. Criteria: Invitae Variant Classification Sherloc (09022015). Collection method: clinical testing. Allele origin: germline.

Genetic Services Laboratory, University of Chicago
Classification: Uncertain significance. Last evaluated: 2021-12-10. Review status: criteria provided, single submitter. Criteria: ACMG Guidelines, 2015. Collection method: clinical testing. Allele origin: germline. Affected: no.
Comment: DNA sequence analysis of the AMH gene demonstrated a sequence change, c.991T>C, in exon 5 that results in an amino acid change, p.Ser331Pro. This sequence change has been described in the gnomAD database with a frequency of 0.23% in the African/African American subpopulation and includes one homozygous individual (dbSNP rs556078854). The p.Ser331Pro change affects a highly conserved amino acid residue located in a domain of the AMH protein that is known to be functional. In-silico pathogenicity prediction tools (SIFT, PolyPhen2, Align GVGD, REVEL) provide contradictory results for the p.Ser331Pro substitution. This sequence change does not appear to have been previously described in individuals with AMH-related disorders. Due to insufficient evidences and the lack of functional studies, the clinical significance of the p.Ser331Pro change remains unknown at this time.

Breakthrough Genomics
Classification: Uncertain significance. Review status: criteria provided, single submitter. Criteria: ACMG Guidelines, 2015. Collection method: not provided. Allele origin: germline. Inheritance: Autosomal recessive inheritance. Affected: yes.

NM_000479.5(AMH):c.991T>C (p.Ser331Pro)

Gene: AMH (anti-Mullerian hormone; plus strand). Cytogenetic location: 19p13.3.
Variant type: single nucleotide variant.
Coding change: c.991T>C on transcript NM_000479.5 (MANE Select); coding-DNA position 991, T replaced by C.
Protein change: p.Ser331Pro; replaces serine 331 with proline.
Molecular consequence: missense variant.
Genome position (GRCh38, 1-based): chr19:2,251,265, T>C. VCF-style: chr19-2251265-T-C. GRCh37 (hg19) VCF-style: chr19-2251264-T-C.
Other names: short protein forms S331P.
Identifiers: ClinVar variation 1337158 (VCV001337158.9), dbSNP rs556078854, ClinGen allele CA9063021.